The following is an entry in ClinVar:

NM_006662.3(SRCAP):c.5000C>T (p.Pro1667Leu)

Gene: SRCAP (Snf2 related CREBBP activator protein; plus strand). Cytogenetic location: 16p11.2.
Variant type: single nucleotide variant.
Coding change: c.5000C>T on transcript NM_006662.3 (MANE Select); coding-DNA position 5000, C replaced by T.
Protein change: p.Pro1667Leu; replaces proline 1667 with leucine.
Molecular consequence: missense variant.
Genome position (GRCh38, 1-based): chr16:30,724,424, C>T. VCF-style: chr16-30724424-C-T. GRCh37 (hg19) VCF-style: chr16-30735745-C-T.
Other names: c.5000C>T (NM_006662.2); short protein forms P1667L.
Identifiers: ClinVar variation 1924501 (VCV001924501.6), dbSNP rs567705675, ClinGen allele CA8011873.

ClinVar aggregate classification (germline): Uncertain significance. Review status: criteria provided, multiple submitters, no conflicts (2 of 4 stars). 2 submissions from 2 submitters: Uncertain significance (2). Last evaluated 2025-08-21.

Conditions:
Inborn genetic diseases. Identifiers: MedGen C0950123, MeSH D030342.

Allele frequency attached by ClinVar (database versions not stated): TOPMed 0.00003; ExAC 0.00004; gnomAD 0.00005; 1000 Genomes Project 0.00020; 1000 Genomes Project 30x 0.00031.
gnomAD v4.1: 43 of 1,614,208 alleles (0.0027%); highest among the groups gnomAD compares: South Asian, 0.022%; no homozygotes.

Submissions (2):

Ambry Genetics
Classification: Uncertain significance for Inborn genetic diseases. Last evaluated: 2025-08-21. Review status: criteria provided, single submitter. Criteria: Ambry Variant Classification Scheme 2023. Collection method: clinical testing. Allele origin: germline.

Labcorp Genetics (formerly Invitae), Labcorp
Classification: Uncertain significance. Last evaluated: 2025-07-02. Review status: criteria provided, single submitter. Criteria: Invitae Variant Classification Sherloc (09022015). Collection method: clinical testing. Allele origin: germline.
Comment: This sequence change replaces proline, which is neutral and non-polar, with leucine, which is neutral and non-polar, at codon 1667 of the SRCAP protein (p.Pro1667Leu). This variant is present in population databases (rs567705675, gnomAD 0.02%). This variant has not been reported in the literature in individuals affected with SRCAP-related conditions. ClinVar contains an entry for this variant (Variation ID: 1924501). Invitae Evidence Modeling of protein sequence and biophysical properties (such as structural, functional, and spatial information, amino acid conservation, physicochemical variation, residue mobility, and thermodynamic stability) indicates that this missense variant is not expected to disrupt SRCAP protein function with a negative predictive value of 80%. In summary, the available evidence is currently insufficient to determine the role of this variant in disease. Therefore, it has been classified as a Variant of Uncertain Significance.